The following is an entry in ClinVar:

ClinVar aggregate classification (germline): Benign/Likely benign. Review status: criteria provided, multiple submitters, no conflicts (2 of 4 stars). 6 submissions from 6 submitters: Benign (1); Likely benign (5). Last evaluated 2026-01-07.

Conditions:
Hereditary cancer-predisposing syndrome. Also called: Neoplastic Syndromes, Hereditary; Hereditary Cancer Syndrome; Tumor predisposition; Hereditary neoplastic syndrome. Identifiers: Orphanet 140162, MedGen C0027672, MeSH D009386, MONDO:0015356.
Peutz-Jeghers syndrome (PJS). Also called: POLYPOSIS, HAMARTOMATOUS INTESTINAL; POLYPS-AND-SPOTS SYNDROME; Peutz-Jeghers polyposis; Periorificial lentiginosis syndrome. Identifiers: Orphanet 2869, MedGen C0031269, MeSH D010580, MONDO:0008280, OMIM 175200.

Allele frequency attached by ClinVar (database versions not stated): gnomAD exomes 0.00002 and 0.00006; gnomAD 0.00012 and 0.00014; TOPMed 0.00013; ExAC 0.00021; 1000 Genomes Project 30x 0.00031; 1000 Genomes Project 0.00040.
gnomAD v4.1: 40 of 1,564,668 alleles (0.0026%); highest among the groups gnomAD compares: African/African-American, 0.046%; no homozygotes.

Submissions (6):

Labcorp Genetics (formerly Invitae), Labcorp
Classification: Likely benign for Peutz-Jeghers syndrome. Last evaluated: 2026-01-07. Review status: criteria provided, single submitter. Criteria: Invitae Variant Classification Sherloc (09022015). Collection method: clinical testing. Allele origin: germline.

Blueprint Genetics
Classification: Likely benign. Last evaluated: 2022-02-03. Review status: criteria provided, single submitter. Criteria: ACMG Guidelines, 2015. Collection method: clinical testing. Allele origin: germline.

Sema4
Classification: Benign for Hereditary cancer-predisposing syndrome. Last evaluated: 2021-07-19. Review status: criteria provided, single submitter. Criteria: Sema4 Curation Guidelines. Collection method: curation. Allele origin: germline.

Mendelics
Classification: Likely benign for Peutz-Jeghers syndrome. Last evaluated: 2019-05-28. Review status: criteria provided, single submitter. Criteria: Mendelics Assertion Criteria 2017. Collection method: clinical testing. Allele origin: unknown.

Color Diagnostics, LLC DBA Color Health
Classification: Likely benign for Hereditary cancer-predisposing syndrome. Last evaluated: 2016-01-05. Review status: criteria provided, single submitter. Criteria: ACMG Guidelines, 2015. Collection method: clinical testing. Allele origin: germline.

GeneDx
Classification: Likely benign. Last evaluated: 2015-10-13. Review status: criteria provided, single submitter. Criteria: GeneDx Variant Classification (06012015). Collection method: clinical testing. Allele origin: germline. Affected: yes.
Comment: This variant is considered likely benign or benign based on one or more of the following criteria: it is a conservative change, it occurs at a poorly conserved position in the protein, it is predicted to be benign by multiple in silico algorithms, and/or has population frequency not consistent with disease.

NM_000455.5(STK11):c.920+12C>T

Gene: STK11 (serine/threonine kinase 11; plus strand). Cytogenetic location: 19p13.3.
Variant type: single nucleotide variant.
Coding change: c.920+12C>T on transcript NM_000455.5 (MANE Select); 12 bases into the intron after coding-DNA position 920, C replaced by T.
Molecular consequence: intron variant.
Genome position (GRCh38, 1-based): chr19:1,222,018, C>T. VCF-style: chr19-1222018-C-T. GRCh37 (hg19) VCF-style: chr19-1222017-C-T.
Identifiers: ClinVar variation 234418 (VCV000234418.14), dbSNP rs186518799, ClinGen allele CA049504.